The following is an entry in ClinVar:

NM_004958.4(MTOR):c.5664C>A (p.Phe1888Leu)

Gene: MTOR (mechanistic target of rapamycin kinase; minus strand). Cytogenetic location: 1p36.22.
Variant type: single nucleotide variant.
Coding change: c.5664C>A on transcript NM_004958.4 (MANE Select); coding-DNA position 5664, C replaced by A.
Protein change: p.Phe1888Leu; replaces phenylalanine 1888 with leucine.
Molecular consequence: missense variant.
Genome position (GRCh38, 1-based): chr1:11,129,788, G>T on the plus strand (C>A on the coding strand, the complement: MTOR is on the minus strand). VCF-style: chr1-11129788-G-T. GRCh37 (hg19) VCF-style: chr1-11189845-G-T.
Other names: c.5664C>A, p.Phe1888Leu (NM_001386500.1); c.4416C>A, p.Phe1472Leu (NM_001386501.1); short protein forms F1472L, F1888L.
Identifiers: ClinVar variation 2129739 (VCV002129739.4), dbSNP rs2100423836, ClinGen allele CA338397653.

ClinVar aggregate classification (germline): Likely pathogenic (1 of 4 stars; one submission).

Submission:

Labcorp Genetics (formerly Invitae), Labcorp
Classification: Likely pathogenic. Last evaluated: 2023-08-04. Review status: criteria provided, single submitter. Criteria: Invitae Variant Classification Sherloc (09022015). Collection method: clinical testing. Allele origin: germline.
Comment: This sequence change replaces phenylalanine, which is neutral and non-polar, with leucine, which is neutral and non-polar, at codon 1888 of the MTOR protein (p.Phe1888Leu). This variant is not present in population databases (gnomAD no frequency). This missense change has been observed in individual(s) with MTOR-related conditions (Invitae). ClinVar contains an entry for this variant (Variation ID: 2129739). Advanced modeling of protein sequence and biophysical properties (such as structural, functional, and spatial information, amino acid conservation, physicochemical variation, residue mobility, and thermodynamic stability) has been performed at Invitae for this missense variant, however the output from this modeling did not meet the statistical confidence thresholds required to predict the impact of this variant on MTOR protein function. Experimental studies have shown that this missense change affects MTOR function (PMID: 24631838, 27482884). This variant disrupts the p.Phe1888 amino acid residue in MTOR. Other variant(s) that disrupt this residue have been determined to be pathogenic (PMID: 27830187). This suggests that this residue is clinically significant, and that variants that disrupt this residue are likely to be disease-causing. In summary, the currently available evidence indicates that the variant is pathogenic, but additional data are needed to prove that conclusively. Therefore, this variant has been classified as Likely Pathogenic.

Literature cited by the submitters: PubMed 24631838; PubMed 27482884; PubMed 27830187.